The following is an entry in ClinVar:

ClinVar aggregate classification (germline): Conflicting classifications of pathogenicity. Review status: criteria provided, conflicting classifications (1 of 4 stars). 2 submissions from 2 submitters: Uncertain significance (1); Likely benign (1). Last evaluated 2026-01-19.

Conditions:
Carnitine palmitoyl transferase 1A deficiency. Also called: Carnitine palmitoyltransferase 1A deficiency; CPT deficiency, hepatic, type IA; CPT I DEFICIENCY; CPT DEFICIENCY, HEPATIC, TYPE I; Carnitine palmitoyltransferase type I deficiency. Identifiers: Orphanet 156, MedGen C1829703, MONDO:0009705, OMIM 255120.

Allele frequency attached by ClinVar (database versions not stated): gnomAD exomes 0.00002 and 0.00004; ExAC 0.00004; TOPMed 0.00006.
gnomAD v4.1: 56 of 1,614,030 alleles (0.0035%); highest among the groups gnomAD compares: East Asian, 0.051%; no homozygotes.

Submissions (2):

Labcorp Genetics (formerly Invitae), Labcorp
Classification: Likely benign for Carnitine palmitoyl transferase 1A deficiency. Last evaluated: 2026-01-19. Review status: criteria provided, single submitter. Criteria: Invitae Variant Classification Sherloc (09022015). Collection method: clinical testing. Allele origin: germline.

3billion
Classification: Uncertain significance for Carnitine palmitoyl transferase 1A deficiency. Last evaluated: 2025-02-05. Review status: criteria provided, single submitter. Criteria: ACMG Guidelines, 2015. Collection method: clinical testing. Allele origin: germline. Affected: yes.
Comment: The variant is observed at an extremely low frequency in the gnomAD v4.1.0 dataset (total allele frequency: 0.003%). Predicted Consequence/Location: Intron variant In silico tools predict the variant to alter splicing and produce an abnormal transcript [SpliceAI: 0.20 (>=0.2, moderate evidence for spliceogenicity)]. The variant has been reported as benign without evidence for the classification (ClinVar ID: VCV001579932). Therefore, this variant is classified as VUS according to the recommendation of ACMG/AMP guideline.

NM_001876.4(CPT1A):c.1576-11T>G

Gene: CPT1A (carnitine palmitoyltransferase 1A; minus strand). Cytogenetic location: 11q13.3.
Variant type: single nucleotide variant.
Coding change: c.1576-11T>G on transcript NM_001876.4 (MANE Select); 11 bases into the intron before coding-DNA position 1576, T replaced by G.
Molecular consequence: intron variant.
Genome position (GRCh38, 1-based): chr11:68,773,440, A>C on the plus strand (T>G on the coding strand, the complement: CPT1A is on the minus strand). VCF-style: chr11-68773440-A-C. GRCh37 (hg19) VCF-style: chr11-68540908-A-C.
Other names: c.1576-11T>G (NM_001031847.3).
Identifiers: ClinVar variation 1579932 (VCV001579932.9), dbSNP rs778920950, ClinGen allele CA6152255.
Genomic context (GRCh38, chr11:68,773,440, plus strand): 5'-TTTGCCAGAAGATTTGCGGTGTTCAGGGAGGTCTCTATAACCTCTTGACACTTGAGAGAA[A>C]GAAGAAAAAGGTTTTACGGAACGAGGGGAGAAAAGTACTGACGCACACCCAGAAGGAAAT-3'